The following is an entry in ClinVar:

ClinVar aggregate classification (germline): Conflicting classifications of pathogenicity. Review status: criteria provided, conflicting classifications (1 of 4 stars). 3 submissions from 3 submitters: Uncertain significance (2); Likely benign (1). Last evaluated 2024-11-26.

Conditions:
Cohen syndrome (COH1). Also called: Cutis verticis gyrata, retinitis pigmentosa, and sensorineural deafness; PEPPER SYNDROME. Identifiers: Orphanet 193, MedGen C0265223, MONDO:0008999, OMIM 216550.
Inborn genetic diseases. Identifiers: MedGen C0950123, MeSH D030342.

Allele frequency attached by ClinVar (database versions not stated): TOPMed 0.00001; gnomAD exomes 0.00003 and 0.00007; ExAC 0.00005; 1000 Genomes Project 0.00040; 1000 Genomes Project 30x 0.00047.

Submissions (3):

Ambry Genetics
Classification: Likely benign for Inborn genetic diseases. Last evaluated: 2024-11-26. Review status: criteria provided, single submitter. Criteria: Ambry Variant Classification Scheme 2023. Collection method: clinical testing. Allele origin: germline.

Labcorp Genetics (formerly Invitae), Labcorp
Classification: Uncertain significance for Cohen syndrome. Last evaluated: 2021-10-12. Review status: criteria provided, single submitter. Criteria: Invitae Variant Classification Sherloc (09022015). Collection method: clinical testing. Allele origin: germline.
Comment: This sequence change replaces methionine with valine at codon 1256 of the VPS13B protein (p.Met1256Val). The methionine residue is weakly conserved and there is a small physicochemical difference between methionine and valine. This variant is present in population databases (rs570925076, ExAC 0.04%). This variant has not been reported in the literature in individuals affected with VPS13B-related conditions. Algorithms developed to predict the effect of missense changes on protein structure and function output the following: SIFT: "Not Available"; PolyPhen-2: "Benign"; Align-GVGD: "Not Available". The valine amino acid residue is found in multiple mammalian species, which suggests that this missense change does not adversely affect protein function. In summary, the available evidence is currently insufficient to determine the role of this variant in disease. Therefore, it has been classified as a Variant of Uncertain Significance.

Molecular Endocrinology Laboratory, Christian Medical College
Classification: Uncertain significance for Cohen syndrome. Review status: criteria provided, single submitter. Criteria: ACMG Guidelines, 2015. Collection method: clinical testing. Allele origin: germline. Affected: yes.

NM_152564.5(VPS13B):c.3766A>G (p.Met1256Val)

Gene: VPS13B (vacuolar protein sorting 13 homolog B; plus strand). Cytogenetic location: 8q22.2.
Variant type: single nucleotide variant.
Coding change: c.3766A>G on transcript NM_152564.5 (MANE Select); coding-DNA position 3766, A replaced by G.
Protein change: p.Met1256Val; replaces methionine 1256 with valine.
Molecular consequence: missense variant.
Genome position (GRCh38, 1-based): chr8:99,481,698, A>G. VCF-style: chr8-99481698-A-G. GRCh37 (hg19) VCF-style: chr8-100493926-A-G.
Other names: c.3766A>G, p.Met1256Val (NM_017890.5); c.3766A>G (NM_017890.3); short protein forms M1256V.
Identifiers: ClinVar variation 966721 (VCV000966721.7), dbSNP rs570925076, ClinGen allele CA4823332.
Genomic context (GRCh38, chr8:99,481,698, plus strand): 5'-GTCTGGAACAAGATTCAGAAGAGAGGCAATCTCAACCTATCTCCAACCTCTCCAGAGACC[A>G]TGGCAGGGCCTGTTCCTACTTCTCCAGTTAGAAGCAGTATAGGCACAGCTCCTCCAGATA-3'
Protein context (NP_689777.3, residues 1246-1266): LNLSPTSPET[Met1256Val]AGPVPTSPVR